The following is an entry in ClinVar:

NM_201384.3(PLEC):c.10179G>A (p.Ala3393=)

Gene: PLEC (plectin; minus strand). Cytogenetic location: 8q24.3.
Variant type: single nucleotide variant.
Coding change: c.10179G>A on transcript NM_201384.3 (MANE Select); coding-DNA position 10179, G replaced by A.
Protein change: p.Ala3393=; no amino-acid change (alanine 3393 retained).
Molecular consequence: synonymous variant.
Genome position (GRCh38, 1-based): chr8:143,919,642, C>T on the plus strand (G>A on the coding strand, the complement: PLEC is on the minus strand). VCF-style: chr8-143919642-C-T. GRCh37 (hg19) VCF-style: chr8-144993810-C-T.
Other names: c.10260G>A, p.Ala3420= (NM_000445.5); c.10137G>A, p.Ala3379= (NM_201378.4); c.10113G>A, p.Ala3371= (NM_201379.3); c.10590G>A, p.Ala3530= (NM_201380.4); c.10083G>A, p.Ala3361= (NM_201381.3); c.10179G>A, p.Ala3393= (NM_201382.4); c.10191G>A, p.Ala3397= (NM_201383.3).
Identifiers: ClinVar variation 471513 (VCV000471513.48), dbSNP rs571563472, ClinGen allele CA4924728.
Genomic context (GRCh38, chr8:143,919,642, plus strand): 5'-CACGGCCTCGTGGACATACAGGCGCTGGTTCCGCACGGGGTCCACCAGGAAGCCAGTGGC[C>T]GCCTGCGCCTCCAGCAGGAGCGCAGCCGTTGTGGCTCTCAGCAGGCCCCGGCGCATGGCC-3'
Protein context (NP_958786.1, residues 3383-3403): TTAALLLEAQ[Ala3393=]ATGFLVDPVR

ClinVar aggregate classification (germline): Likely benign. Review status: criteria provided, multiple submitters, no conflicts (2 of 4 stars). 4 submissions from 4 submitters: Likely benign (4). Last evaluated 2026-08-10.

Conditions:
Epidermolysis bullosa simplex, Ogna type (EBS5A). Also called: Pidermolysis bullosa simplex 5A, Ogna type; EPIDERMOLYSIS BULLOSA SIMPLEX 5A, OGNA TYPE. Identifiers: Orphanet 79401, MedGen C0432317, MONDO:0007555, OMIM 131950.
Autosomal recessive limb-girdle muscular dystrophy type 2Q (LGMDR17). Also called: MUSCULAR DYSTROPHY, LIMB-GIRDLE, AUTOSOMAL RECESSIVE 17. Identifiers: Orphanet 254361, MedGen C3150989, MONDO:0013390, OMIM 613723.
Epidermolysis bullosa simplex 5B, with muscular dystrophy (EBS5B). Also called: Epidermolysis bullosa simplex with muscular dystrophy; EPIDERMOLYSIS BULLOSA SIMPLEX AND LIMB-GIRDLE MUSCULAR DYSTROPHY. Identifiers: Orphanet 257, MedGen C2931072, MONDO:0009181, OMIM 226670.
Epidermolysis bullosa simplex with nail dystrophy (EBS5D). Identifiers: MedGen C4225309, MONDO:0014661, OMIM 616487.
Epidermolysis bullosa simplex 5C, with pyloric atresia (EBS5C). Also called: PLEC-Related Epidermolysis Bullosa with Pyloric Atresia; Epidermolysis bullosa simplex with pyloric atresia; PLEC1-Related Epidermolysis Bullosa with Pyloric Atresia. Identifiers: Orphanet 158684, MedGen C2677349, MONDO:0012807, OMIM 612138.
PLEC-related disorder. Also called: PLEC-related condition; PLEC-related disorders.

Allele frequency attached by ClinVar (database versions not stated): gnomAD 0.00002; gnomAD exomes 0.00004 and 0.00009; TOPMed 0.00006; ExAC 0.00010.
gnomAD v4.1: 68 of 1,584,894 alleles (0.0043%); highest among the groups gnomAD compares: East Asian, 0.025%; no homozygotes.

Submissions (4):

PreventionGenetics, part of Exact Sciences
Classification: Likely benign for PLEC-related condition. Last evaluated: 2026-08-10. Review status: criteria provided, single submitter. Criteria: ACMG Guidelines, 2015. Collection method: clinical testing. Allele origin: germline.
Comment: This variant is classified as likely benign based on ACMG/AMP sequence variant interpretation guidelines (Richards et al. 2015 PMID: 25741868, with internal and published modifications).

Labcorp Genetics (formerly Invitae), Labcorp
Classification: Likely benign for Autosomal recessive limb-girdle muscular dystrophy type 2Q; Epidermolysis bullosa simplex, Ogna type; Epidermolysis bullosa simplex with nail dystrophy; Epidermolysis bullosa simplex 5C, with pyloric atresia; Epidermolysis bullosa simplex 5B, with muscular dystrophy. Last evaluated: 2025-10-18. Review status: criteria provided, single submitter. Criteria: Invitae Variant Classification Sherloc (09022015). Collection method: clinical testing. Allele origin: germline.

Blueprint Genetics
Classification: Likely benign. Last evaluated: 2024-11-04. Review status: criteria provided, single submitter. Criteria: ACMG Guidelines, 2015. Collection method: clinical testing. Allele origin: germline.

CeGaT Center for Human Genetics Tuebingen
Classification: Likely benign. Last evaluated: 2022-04-01. Review status: criteria provided, single submitter. Criteria: CeGaT Center For Human Genetics Tuebingen Variant Classification Criteria Version 2. Collection method: clinical testing. Allele origin: germline. Affected: yes. Observed: 2 variant alleles.
Comment: PLEC: BP4, BP7